The following is an entry in ClinVar:

ClinVar aggregate classification (germline): Conflicting classifications of pathogenicity. Review status: criteria provided, conflicting classifications (1 of 4 stars). 3 submissions from 3 submitters: Uncertain significance (1); Likely benign (2). Last evaluated 2026-08-20.

Conditions:
PDE6B-related disorder. Also called: PDE6B-related disease; PDE6B-related condition; PDE6B-related disorders.

Allele frequency attached by ClinVar (database versions not stated): gnomAD 0.00001; gnomAD exomes 0.00001; TOPMed 0.00002.
gnomAD v4.1: 5 of 1,591,958 alleles (0.00031%); highest among the groups gnomAD compares: Non-Finnish European, 0.00034%; no homozygotes.

Submissions (3):

PreventionGenetics, part of Exact Sciences
Classification: Likely benign for PDE6B-related condition. Last evaluated: 2026-08-20. Review status: criteria provided, single submitter. Criteria: ACMG Guidelines, 2015. Collection method: clinical testing. Allele origin: germline.
Comment: This variant is classified as likely benign based on ACMG/AMP sequence variant interpretation guidelines (Richards et al. 2015 PMID: 25741868, with internal and published modifications).

Labcorp Genetics (formerly Invitae), Labcorp
Classification: Likely benign. Last evaluated: 2025-09-25. Review status: criteria provided, single submitter. Criteria: Invitae Variant Classification Sherloc (09022015). Collection method: clinical testing. Allele origin: germline.

Blueprint Genetics
Classification: Uncertain significance. Last evaluated: 2022-07-06. Review status: criteria provided, single submitter. Criteria: ACMG Guidelines, 2015. Collection method: clinical testing. Allele origin: germline.

NM_000283.4(PDE6B):c.309G>A (p.Val103=)

Gene: PDE6B (phosphodiesterase 6B; plus strand). Cytogenetic location: 4p16.3.
Variant type: single nucleotide variant.
Coding change: c.309G>A on transcript NM_000283.4 (MANE Select); coding-DNA position 309, G replaced by A.
Protein change: p.Val103=; no amino-acid change (valine 103 retained).
Molecular consequence: synonymous variant.
Genome position (GRCh38, 1-based): chr4:625,935, G>A. VCF-style: chr4-625935-G-A. GRCh37 (hg19) VCF-style: chr4-619724-G-A.
Other names: c.309G>A, p.Val103= (NM_001145291.2); c.309G>A (NM_000283.3).
Identifiers: ClinVar variation 1134562 (VCV001134562.11), dbSNP rs921170968, ClinGen allele CA91052307.
Genomic context (GRCh38, chr4:625,935, plus strand): 5'-CTGCACCCTCCTGCAGGCCGACCGCTGCAGCCTCTTCATGTACCGCCAGCGCAACGGCGT[G>A]GCCGAGCTGGCCACCAGGCTTTTCAGCGTGCAGCCGGACAGCGTCCTGGAGGACTGCCTG-3'
Protein context (NP_000274.3, residues 93-113): SLFMYRQRNG[Val103=]AELATRLFSV